The following is an entry in ClinVar:

NM_138694.4(PKHD1):c.10174C>A (p.Gln3392Lys)

Gene: PKHD1 (PKHD1 ciliary IPT domain containing fibrocystin/polyductin; minus strand). Cytogenetic location: 6p12.3.
Variant type: single nucleotide variant.
Coding change: c.10174C>A on transcript NM_138694.4 (MANE Select); coding-DNA position 10174, C replaced by A.
Protein change: p.Gln3392Lys; replaces glutamine 3392 with lysine.
Molecular consequence: missense variant.
Genome position (GRCh38, 1-based): chr6:51,659,952, G>T on the plus strand (C>A on the coding strand, the complement: PKHD1 is on the minus strand). VCF-style: chr6-51659952-G-T. GRCh37 (hg19) VCF-style: chr6-51524750-G-T.
Other names: short protein forms Q3392K.
Identifiers: ClinVar variation 3336276 (VCV003336276.1).

ClinVar aggregate classification (germline): Uncertain significance (1 of 4 stars; one submission).

gnomAD v4.1: 1 of 1,603,600 alleles (0.000062%); highest among the groups gnomAD compares: Non-Finnish European, 0.000085%; no homozygotes.

Submission:

Women's Health and Genetics/Laboratory Corporation of America, LabCorp
Classification: Uncertain significance. Last evaluated: 2024-05-01. Review status: criteria provided, single submitter. Criteria: LabCorp Variant Classification Summary - May 2015. Collection method: clinical testing. Allele origin: germline.
Comment: Variant summary: PKHD1 c.10174C>A (p.Gln3392Lys) results in a conservative amino acid change in the encoded protein sequence. Five of five in-silico tools predict a benign effect of the variant on protein function. The variant allele was found at a frequency of 4e-06 in 248566 control chromosomes. The available data on variant occurrences in the general population are insufficient to allow any conclusion about variant significance. To our knowledge, no occurrence of c.10174C>A in individuals affected with Polycystic Kidney And Hepatic Disease and no experimental evidence demonstrating its impact on protein function have been reported. No submitters have cited clinical-significance assessments for this variant to ClinVar. Based on the evidence outlined above, the variant was classified as uncertain significance.